The following is an entry in ClinVar:

NM_182961.4(SYNE1):c.26017T>C (p.Ser8673Pro)

Gene: SYNE1 (spectrin repeat containing nuclear envelope protein 1; minus strand). Cytogenetic location: 6q25.2.
Variant type: single nucleotide variant.
Coding change: c.26017T>C on transcript NM_182961.4 (MANE Select); coding-DNA position 26017, T replaced by C.
Protein change: p.Ser8673Pro; replaces serine 8673 with proline.
Molecular consequence: missense variant.
Genome position (GRCh38, 1-based): chr6:152,132,199, A>G on the plus strand (T>C on the coding strand, the complement: SYNE1 is on the minus strand). VCF-style: chr6-152132199-A-G. GRCh37 (hg19) VCF-style: chr6-152453334-A-G.
Other names: c.2623T>C, p.Ser875Pro (NM_001347701.2); c.2551T>C, p.Ser851Pro (NM_001347702.2); c.25873T>C, p.Ser8625Pro (NM_033071.5); short protein forms S851P, S8625P, S8673P, S875P.
Identifiers: ClinVar variation 3761263 (VCV003761263.2).

ClinVar aggregate classification (germline): Uncertain significance (1 of 4 stars; one submission).

Conditions:
Emery-Dreifuss muscular dystrophy 4, autosomal dominant (EDMD4). Also called: EMERY-DREIFUSS MUSCULAR DYSTROPHY 4 WITH VARIABLE FEATURES. Identifiers: Orphanet 261, MedGen C2751807, MONDO:0013071, OMIM 612998.
Autosomal recessive ataxia, Beauce type. Also called: Spinocerebellar ataxia, autosomal recessive 8; ATAXIA, RECESSIVE, OF BEAUCE; SYNE1-Related Autosomal Recessive Cerebellar Ataxia; SYNE1 Deficiency. Identifiers: Orphanet 88644, MedGen C1853116, MONDO:0012549, OMIM 610743.

Submission:

Labcorp Genetics (formerly Invitae), Labcorp
Classification: Uncertain significance for Emery-Dreifuss muscular dystrophy 4, autosomal dominant; Autosomal recessive ataxia, Beauce type. Last evaluated: 2024-03-19. Review status: criteria provided, single submitter. Criteria: Invitae Variant Classification Sherloc (09022015). Collection method: clinical testing. Allele origin: germline.
Comment: This sequence change replaces serine, which is neutral and polar, with proline, which is neutral and non-polar, at codon 8625 of the SYNE1 protein (p.Ser8625Pro). This variant is not present in population databases (gnomAD no frequency). This variant has not been reported in the literature in individuals affected with SYNE1-related conditions. An algorithm developed to predict the effect of missense changes on protein structure and function (PolyPhen-2) suggests that this variant is likely to be disruptive. In summary, the available evidence is currently insufficient to determine the role of this variant in disease. Therefore, it has been classified as a Variant of Uncertain Significance.